The following is an entry in ClinVar:

ClinVar aggregate classification (germline): Likely benign (0 of 4 stars; one submission).

Conditions:
KIDINS220-related disorder. Also called: KIDINS220-related condition.

gnomAD v4.1: 6 of 1,614,036 alleles (0.00037%); highest among the groups gnomAD compares: Non-Finnish European, 0.00051%; no homozygotes.

Submission:

PreventionGenetics, part of Exact Sciences
Classification: Likely benign for KIDINS220-related condition. Last evaluated: 2023-01-26. Review status: no assertion criteria provided. Collection method: clinical testing. Allele origin: germline.
Comment: This variant is classified as likely benign based on ACMG/AMP sequence variant interpretation guidelines (Richards et al. 2015 PMID: 25741868, with internal and published modifications).

NM_020738.4(KIDINS220):c.3609A>G (p.Pro1203=)

Gene: KIDINS220 (kinase D interacting substrate 220; minus strand). Cytogenetic location: 2p25.1.
Variant type: single nucleotide variant.
Coding change: c.3609A>G on transcript NM_020738.4 (MANE Select); coding-DNA position 3609, A replaced by G.
Protein change: p.Pro1203=; no amino-acid change (proline 1203 retained).
Molecular consequence: synonymous variant. On other transcripts: non-coding transcript variant (2).
Genome position (GRCh38, 1-based): chr2:8,736,976, T>C on the plus strand (A>G on the coding strand, the complement: KIDINS220 is on the minus strand). VCF-style: chr2-8736976-T-C. GRCh37 (hg19) VCF-style: chr2-8877106-T-C.
Other names: c.3612A>G, p.Pro1204= (NM_001348729.2); c.3555A>G, p.Pro1185= (NM_001348731.2); c.3552A>G, p.Pro1184= (NM_001348732.2, NM_001348738.2); c.3441A>G, p.Pro1147= (NM_001348734.2, NM_001348739.2, NM_001348740.2); c.3438A>G, p.Pro1146= (NM_001348735.2, NM_001348741.2, NM_001348742.2 and 1 more transcripts); c.3312A>G, p.Pro1104= (NM_001348736.2).
Identifiers: ClinVar variation 3353221 (VCV003353221.1).